The following is an entry in ClinVar:

ClinVar aggregate classification (germline): Pathogenic. Review status: criteria provided, multiple submitters, no conflicts (2 of 4 stars). 5 submissions from 5 submitters: Pathogenic (5). Last evaluated 2026-01-16.

Conditions:
Recessive dystrophic epidermolysis bullosa (RDEB). Also called: severe generalized recessive dystrophic epidermolysis bullosa; EPIDERMOLYSIS BULLOSA DYSTROPHICA, GENERALIZED SEVERE, AUTOSOMAL RECESSIVE; Epidermolysis Bullosa Distrophica Autosomal Recessive (RDEB); DYSTROPHIC EPIDERMOLYSIS BULLOSA, AUTOSOMAL RECESSIVE; EPIDERMOLYSIS BULLOSA DYSTROPHICA, HALLOPEAU-SIEMENS TYPE; epidermolysis bullosa dystrophica, autosomal recessive. Identifiers: Orphanet 79408, Orphanet 79409, MedGen C0079474, MONDO:0009179, OMIM 226600.
Generalized dominant dystrophic epidermolysis bullosa (DDEB). Also called: DDEB, generalized; DDEB-gen; DYSTROPHIC EPIDERMOLYSIS BULLOSA, AUTOSOMAL DOMINANT; Epidermolysis bullosa dystrophica, autosomal dominant; Dominant DEB (DDEB). Identifiers: Orphanet 231568, MedGen C0432322, MONDO:0007549, OMIM 131750.
Epidermolysis bullosa dystrophica. Also called: Dystrophic epidermolysis bullosa, Hallopeau-Siemens type (formerly); Dystrophic epidermolysis bullosa. Identifiers: Orphanet 303, MedGen C0079294, MONDO:0006543.

Submissions (5):

Labcorp Genetics (formerly Invitae), Labcorp
Classification: Pathogenic. Last evaluated: 2026-01-16. Review status: criteria provided, single submitter. Criteria: Invitae Variant Classification Sherloc (09022015). Collection method: clinical testing. Allele origin: germline.
Comment: This sequence change creates a premature translational stop signal (p.Gly1712Hisfs*131) in the COL7A1 gene. It is expected to result in an absent or disrupted protein product. Loss-of-function variants in COL7A1 are known to be pathogenic (PMID: 16971478). This variant is present in population databases (rs770456964, gnomAD 0.0009%). This premature translational stop signal has been observed in individual(s) with recessive dystrophic epidermolysis bullosa (PMID: 31001817). ClinVar contains an entry for this variant (Variation ID: 952076). For these reasons, this variant has been classified as Pathogenic.

Natera, Inc.
Classification: Pathogenic for Dystrophic epidermolysis bullosa. Last evaluated: 2025-05-16. Review status: criteria provided, single submitter. Criteria: Natera Variant Classification Schema (03/2026). Collection method: clinical testing. Allele origin: germline.
Comment: The c.5132_5133insTCACC variant in COL7A1 is a frameshift variant predicted to shift the reading frame beginning at codon 1712 and leads to a stop codon 131 codons downstream. This variant is expected to result in nonsense mediated decay, truncation, or a dysfunctional protein product. This variant is rare in the general population with a frequency below the threshold expected for the associated phenotype(s). This variant has been observed in one or more individuals affected with the associated recessive disease, as either homozygous or compound heterozygous with a second variant (PMID: 38368142). Given the available evidence, this variant is classified as Pathogenic.

Myriad Genetics, Inc.
Classification: Pathogenic for Recessive dystrophic epidermolysis bullosa. Last evaluated: 2024-09-11. Review status: criteria provided, single submitter. Criteria: Myriad Autosomal Dominant, Autosomal Recessive and X-Linked Classification Criteria (2023). Collection method: clinical testing. Allele origin: unknown.
Comment: NM_000094.3(COL7A1):c.5132_5133ins5(G1712Hfs*131) is expected to be pathogenic in the context of dystrophic epidermolysis bullosa. This variant is predicted to lead to an abnormal or absent protein product due to the creation of a premature termination codon in COL7A1, a gene where loss-of-function variants are known to be pathogenic. Please note: this variant was assessed in the context of healthy population screening.

Laboratorio de Genetica e Diagnostico Molecular, Hospital Israelita Albert Einstein
Classification: Pathogenic for Generalized dominant dystrophic epidermolysis bullosa; Recessive dystrophic epidermolysis bullosa. Last evaluated: 2022-01-29. Review status: criteria provided, single submitter. Criteria: ACMG Guidelines, 2015. Collection method: clinical testing. Allele origin: germline. Affected: yes.
Comment: ACMG classification criteria: PVS1 very strong, PS4 strong, PM2 moderate, PM3 strong

Biomedical Innovation Departament, CIEMAT
Classification: Pathogenic for Dystrophic epidermolysis bullosa. Last evaluated: 2018-12-04. Review status: criteria provided, single submitter. Criteria: ACMG Guidelines, 2015. Collection method: research. Allele origin: germline. Affected: yes. Observed: 2 variant alleles.

Literature cited by the submitters: PubMed 16971478 (cited by Labcorp Genetics (formerly Invitae), Labcorp); PubMed 31001817 (cited by Labcorp Genetics (formerly Invitae), Labcorp); PubMed 38368142 (cited by Natera, Inc.).

NM_000094.4(COL7A1):c.5132_5133insTCACC (p.Gly1712fs)

Gene: COL7A1 (collagen type VII alpha 1 chain; minus strand). Cytogenetic location: 3p21.31.
Variant type: Insertion.
Coding change: c.5132_5133insTCACC on transcript NM_000094.4 (MANE Select); coding-DNA positions 5132 to 5133, TCACC inserted.
Protein change: p.Gly1712fs; shifts the reading frame from glycine 1712.
Molecular consequence: frameshift variant.
Genome position: GRCh38 VCF-style: chr3-48579806-T-TGGTGA. GRCh37 (hg19) VCF-style: chr3-48617239-T-TGGTGA.
Other names: short protein forms G1712fs.
Identifiers: ClinVar variation 952076 (VCV000952076.11), dbSNP rs770456964, ClinGen allele CA2379636.
Genomic context (GRCh38, chr3:48,579,806, plus strand): 5'-CTGGGGTCTTTCTTACCCTCCACCCACAGACCCTAATACCTTCTCTCTGGCTCCAGGTCC[T>TGGTGA]GTGTCTACCTGTGGGGGGAATGACCAGTGAGAAGAATGGCTCAACAAGGGGAAGAGGAGT-3'